The following is an entry in ClinVar:

NM_000540.3(RYR1):c.8552C>G (p.Pro2851Arg)

Genes: RYR1 (ryanodine receptor 1; plus strand), LOC126862902 (BRD4-independent group 4 enhancer GRCh37_chr19:38995830-38997029; plus strand). Cytogenetic location: 19q13.2.
Variant type: single nucleotide variant.
Coding change: c.8552C>G on transcript NM_000540.3 (MANE Select); coding-DNA position 8552, C replaced by G.
Protein change: p.Pro2851Arg; replaces proline 2851 with arginine.
Molecular consequence: missense variant.
Genome position (GRCh38, 1-based): chr19:38,506,313, C>G. VCF-style: chr19-38506313-C-G. GRCh37 (hg19) VCF-style: chr19-38996953-C-G.
Other names: c.8552C>G, p.Pro2851Arg (NM_001042723.2); short protein forms P2851R.
Identifiers: ClinVar variation 3364761 (VCV003364761.1).
Genomic context (GRCh38, chr19:38,506,313, plus strand): 5'-CTTCCTGCTAGCCCATCAGCCCACCTCCCATCTTCCCCTTGTCCTCTCAGACCTATGATC[C>G]TCGAGAAGGCTACAACCCTCAGCCCCCCGACCTTAGTGCTGTTACCCTGTCCCGGGAGCT-3'
Protein context (NP_000531.2, residues 2841-2861): KISQSAQTYD[Pro2851Arg]REGYNPQPPD

ClinVar aggregate classification (germline): Uncertain significance (1 of 4 stars; one submission).

Submission:

GeneDx
Classification: Uncertain significance. Last evaluated: 2023-11-27. Review status: criteria provided, single submitter. Criteria: GeneDx Variant Classification Process June 2021. Collection method: clinical testing. Allele origin: germline. Affected: yes.
Comment: Not observed at significant frequency in large population cohorts (gnomAD); In silico analysis supports that this missense variant has a deleterious effect on protein structure/function; Has not been previously published as pathogenic or benign to our knowledge; This variant is associated with the following publications: (PMID: 12668474)